The following is an entry in ClinVar:

NM_004725.4(BUB3):c.481G>C (p.Val161Leu)

Gene: BUB3 (BUB3 mitotic checkpoint protein; plus strand). Cytogenetic location: 10q26.13.
Variant type: single nucleotide variant.
Coding change: c.481G>C on transcript NM_004725.4 (MANE Select); coding-DNA position 481, G replaced by C.
Protein change: p.Val161Leu; replaces valine 161 with leucine.
Molecular consequence: missense variant.
Genome position (GRCh38, 1-based): chr10:123,160,470, G>C. VCF-style: chr10-123160470-G-C. GRCh37 (hg19) VCF-style: chr10-124919986-G-C.
Other names: c.481G>C, p.Val161Leu (NM_001007793.3); short protein forms V161L.
Identifiers: ClinVar variation 1743348 (VCV001743348.3), dbSNP rs2493763216, ClinGen allele CA378626185.

ClinVar aggregate classification (germline): Uncertain significance (1 of 4 stars; one submission).

Submission:

Ambry Genetics
Classification: Uncertain significance. Last evaluated: 2024-07-27. Review status: criteria provided, single submitter. Criteria: Ambry Variant Classification Scheme 2023. Collection method: clinical testing. Allele origin: germline.
Comment: The p.V161L variant (also known as c.481G>C), located in coding exon 4 of the BUB3 gene, results from a G to C substitution at nucleotide position 481. The valine at codon 161 is replaced by leucine, an amino acid with highly similar properties. This amino acid position is conserved. In addition, the in silico prediction for this alteration is inconclusive. Since supporting evidence is limited at this time, the clinical significance of this alteration remains unclear.